The following is an entry in ClinVar:

NM_000059.4(BRCA2):c.7805+1871A>G

Gene: BRCA2 (BRCA2 DNA repair associated; plus strand). Cytogenetic location: 13q13.1.
Variant type: single nucleotide variant.
Coding change: c.7805+1871A>G on transcript NM_000059.4 (MANE Select); 1871 bases into the intron after coding-DNA position 7805, A replaced by G.
Molecular consequence: intron variant.
Genome position (GRCh38, 1-based): chr13:32,359,800, A>G. VCF-style: chr13-32359800-A-G. GRCh37 (hg19) VCF-style: chr13-32933937-A-G.
Other names: IVS 16+1871A>G.
Identifiers: ClinVar variation 209942 (VCV000209942.1), dbSNP rs206098, ClinGen allele CA276909.

ClinVar aggregate classification (germline): Benign (3 of 4 stars; one submission).

Conditions:
Breast-ovarian cancer, familial, susceptibility to, 2 (BROVCA2). Also called: BRCA2 Hereditary Breast and Ovarian Cancer. Identifiers: Orphanet 145, MedGen C2675520, MONDO:0012933, OMIM 612555. Disease mechanism: loss of function.

Allele frequency attached by ClinVar (database versions not stated): 1000 Genomes Project 30x 0.97470; 1000 Genomes Project 0.97624; TOPMed 0.97810; gnomAD 0.97895 and 0.98033.
gnomAD v4.1: 149,358 of 152,326 alleles (98%); highest among the groups gnomAD compares: East Asian, 100%; 73,292 homozygotes.

Submission:

Evidence-based Network for the Interpretation of Germline Mutant Alleles (ENIGMA)
Classification: Benign for Breast-ovarian cancer, familial 2. Last evaluated: 2015-01-12. Review status: reviewed by expert panel. Criteria: ENIGMA BRCA1/2 Classification Criteria (2015). Collection method: curation. Allele origin: germline.
Comment: Class 1 not pathogenic based on frequency >1% in an outbred sampleset. Frequency 0.9065 (African), derived from 1000 genomes (2012-04-30).